The following is an entry in ClinVar:

NM_032043.3(BRIP1):c.3722A>G (p.Asn1241Ser)

Gene: BRIP1 (BRCA1 interacting DNA helicase 1; minus strand). Cytogenetic location: 17q23.2.
Variant type: single nucleotide variant.
Coding change: c.3722A>G on transcript NM_032043.3 (MANE Select); coding-DNA position 3722, A replaced by G.
Protein change: p.Asn1241Ser; replaces asparagine 1241 with serine.
Molecular consequence: missense variant.
Genome position (GRCh38, 1-based): chr17:61,683,324, T>C on the plus strand (A>G on the coding strand, the complement: BRIP1 is on the minus strand). VCF-style: chr17-61683324-T-C. GRCh37 (hg19) VCF-style: chr17-59760685-T-C.
Other names: short protein forms N1241S.
Identifiers: ClinVar variation 3228134 (VCV003228134.1), dbSNP rs2144066446, ClinGen allele CA400477748.

ClinVar aggregate classification (germline): Uncertain significance (1 of 4 stars; one submission).

Conditions:
Hereditary cancer-predisposing syndrome. Also called: Neoplastic Syndromes, Hereditary; Tumor predisposition; Hereditary neoplastic syndrome; Hereditary Cancer Syndrome. Identifiers: Orphanet 140162, MedGen C0027672, MeSH D009386, MONDO:0015356.

Submission:

Ambry Genetics
Classification: Uncertain significance for Hereditary cancer-predisposing syndrome. Last evaluated: 2023-10-26. Review status: criteria provided, single submitter. Criteria: Ambry Variant Classification Scheme 2023. Collection method: clinical testing. Allele origin: germline.
Comment: The p.N1241S variant (also known as c.3722A>G), located in coding exon 19 of the BRIP1 gene, results from an A to G substitution at nucleotide position 3722. The asparagine at codon 1241 is replaced by serine, an amino acid with highly similar properties. This amino acid position is conserved. In addition, this alteration is predicted to be tolerated by in silico analysis. Since supporting evidence is limited at this time, the clinical significance of this alteration remains unclear.